The following is an entry in ClinVar:

ClinVar aggregate classification (germline): Uncertain significance (1 of 4 stars; one submission).

Submission:

Labcorp Genetics (formerly Invitae), Labcorp
Classification: Uncertain significance. Last evaluated: 2024-06-05. Review status: criteria provided, single submitter. Criteria: Invitae Variant Classification Sherloc (09022015). Collection method: clinical testing. Allele origin: germline.
Comment: This sequence change falls in intron 13 of the CACNA1D gene. It does not directly change the encoded amino acid sequence of the CACNA1D protein. It affects a nucleotide within the consensus splice site. This variant is not present in population databases (gnomAD no frequency). This variant has not been reported in the literature in individuals affected with CACNA1D-related conditions. Variants that disrupt the consensus splice site are a relatively common cause of aberrant splicing (PMID: 17576681, 9536098). Algorithms developed to predict the effect of sequence changes on RNA splicing suggest that this variant is not likely to affect RNA splicing. In summary, the available evidence is currently insufficient to determine the role of this variant in disease. Therefore, it has been classified as a Variant of Uncertain Significance.

Literature cited by the submitters: PubMed 17576681; PubMed 9536098.

NM_001128840.3(CACNA1D):c.1666+4C>G

Gene: CACNA1D (calcium voltage-gated channel subunit alpha1 D; plus strand). Cytogenetic location: 3p21.1.
Variant type: single nucleotide variant.
Coding change: c.1666+4C>G on transcript NM_001128840.3 (MANE Select); 4 bases into the intron after coding-DNA position 1666, C replaced by G.
Molecular consequence: intron variant.
Genome position (GRCh38, 1-based): chr3:53,722,478, C>G. VCF-style: chr3-53722478-C-G. GRCh37 (hg19) VCF-style: chr3-53756505-C-G.
Other names: c.1666+4C>G (NM_001128839.3); c.1726+4C>G (NM_000720.4).
Identifiers: ClinVar variation 3655698 (VCV003655698.2).